The following is an entry in ClinVar:

ClinVar aggregate classification (germline): Benign/Likely benign. Review status: criteria provided, multiple submitters, no conflicts (2 of 4 stars). 6 submissions from 6 submitters: Benign (2); Likely benign (4). Last evaluated 2025-11-16.

Conditions:
Ventriculomegaly-cystic kidney disease. Also called: Ventriculomegaly with cystic kidney disease. Identifiers: Orphanet 443988, MedGen C1857423, MONDO:0009063, OMIM 219730.
Focal segmental glomerulosclerosis 9 (FSGS9). Identifiers: Orphanet 656, MedGen C4015555, MONDO:0014539, OMIM 616220.

Allele frequency attached by ClinVar (database versions not stated): gnomAD exomes 0.00031; ExAC 0.00069; 1000 Genomes Project 0.00080; ESP Exome Variant Server 0.00098; 1000 Genomes Project 30x 0.00109; gnomAD 0.00125 and 0.00130; TOPMed 0.00144.
gnomAD v4.1: 423 of 1,479,780 alleles (0.029%); highest among the groups gnomAD compares: African/African-American, 0.45%; 1 homozygote.

Submissions (6):

Labcorp Genetics (formerly Invitae), Labcorp
Classification: Benign. Last evaluated: 2025-11-16. Review status: criteria provided, single submitter. Criteria: Invitae Variant Classification Sherloc (09022015). Collection method: clinical testing. Allele origin: germline.

Mayo Clinic Laboratories, Mayo Clinic
Classification: Likely benign. Last evaluated: 2025-07-12. Review status: criteria provided, single submitter. Criteria: ACMG Guidelines, 2015. Collection method: clinical testing. Allele origin: germline. Observed: 4 variant alleles.
Comment: BS1, BP4, BP7

Blueprint Genetics
Classification: Likely benign. Last evaluated: 2024-11-13. Review status: criteria provided, single submitter. Criteria: ACMG Guidelines, 2015. Collection method: clinical testing. Allele origin: germline.

CeGaT Center for Human Genetics Tuebingen
Classification: Likely benign. Last evaluated: 2022-10-01. Review status: criteria provided, single submitter. Criteria: CeGaT Center For Human Genetics Tuebingen Variant Classification Criteria Version 2. Collection method: clinical testing. Allele origin: germline. Affected: yes. Observed: 1 variant allele.
Comment: CRB2: BP4, BP7

Fulgent Genetics
Classification: Likely benign for Ventriculomegaly-cystic kidney disease; Focal segmental glomerulosclerosis 9. Last evaluated: 2022-03-04. Review status: criteria provided, single submitter. Criteria: ACMG Guidelines, 2015. Collection method: clinical testing. Allele origin: unknown.

Breakthrough Genomics
Classification: Benign. Review status: criteria provided, single submitter. Criteria: ACMG Guidelines, 2015. Collection method: not provided. Allele origin: germline. Inheritance: Autosomal recessive inheritance. Affected: yes.

NM_173689.7(CRB2):c.606G>A (p.Leu202=)

Gene: CRB2 (crumbs cell polarity complex component 2; plus strand). Cytogenetic location: 9q33.3.
Variant type: single nucleotide variant.
Coding change: c.606G>A on transcript NM_173689.7 (MANE Select); coding-DNA position 606, G replaced by A.
Protein change: p.Leu202=; no amino-acid change (leucine 202 retained).
Molecular consequence: synonymous variant.
Genome position (GRCh38, 1-based): chr9:123,366,104, G>A. VCF-style: chr9-123366104-G-A. GRCh37 (hg19) VCF-style: chr9-126128383-G-A.
Other names: p.Leu202=.
Identifiers: ClinVar variation 781188 (VCV000781188.41), dbSNP rs201174974, ClinGen allele CA5231707.